The following is an entry in ClinVar:

NM_000535.7(PMS2):c.1897del (p.His633fs)

Gene: PMS2 (PMS1 homolog 2, mismatch repair system component; minus strand). Cytogenetic location: 7p22.1.
Variant type: Deletion.
Coding change: c.1897del on transcript NM_000535.7 (MANE Select); coding-DNA position 1897, one base deleted (C; older notation c.1897delC).
Protein change: p.His633fs; shifts the reading frame from histidine 633.
Molecular consequence: frameshift variant. On other transcripts: non-coding transcript variant (1).
Genome position (GRCh38, 1-based): chr7:5,986,868, G deleted on the plus strand (C on the coding strand, the reverse complement: PMS2 is on the minus strand). VCF-style (leftmost placement, unchanged base first): chr7-5986867-TG-T. GRCh37 (hg19) VCF-style: chr7-6026498-TG-T.
Other names: c.1492del, p.His498fs (NM_001322003.2, NM_001322004.2, NM_001322005.2 and 1 more transcripts); c.1741del, p.His581fs (NM_001322006.2); c.1579del, p.His527fs (NM_001322007.2, NM_001322008.2); c.1336del, p.His446fs (NM_001322010.2); c.964del, p.His322fs (NM_001322011.2, NM_001322012.2); c.1324del, p.His442fs (NM_001322013.2); c.1897del, p.His633fs (NM_001322014.2); c.1588del, p.His530fs (NM_001322015.2); short protein forms H322fs, H527fs, H530fs, H581fs, H633fs, H442fs, H446fs, H498fs.
Identifiers: ClinVar variation 853214 (VCV000853214.7), dbSNP rs1782947222, ClinGen allele CA916079939.

ClinVar aggregate classification (germline): Pathogenic (1 of 4 stars; one submission).

Conditions:
Hereditary nonpolyposis colorectal neoplasms. Identifiers: MedGen C0009405, MeSH D003123.

Submission:

Labcorp Genetics (formerly Invitae), Labcorp
Classification: Pathogenic for Hereditary nonpolyposis colorectal neoplasms. Last evaluated: 2019-02-09. Review status: criteria provided, single submitter. Criteria: Invitae Variant Classification Sherloc (09022015). Collection method: clinical testing. Allele origin: germline.
Comment: For these reasons, this variant has been classified as Pathogenic. This sequence change creates a premature translational stop signal (p.His633Ilefs*32) in the PMS2 gene. It is expected to result in an absent or disrupted protein product. This variant is not present in population databases (ExAC no frequency). This variant has not been reported in the literature in individuals with PMS2-related conditions. Loss-of-function variants in PMS2 are known to be pathogenic (PMID: 21376568, 24362816).

Literature cited by the submitters: PubMed 21376568; PubMed 24362816.